The following is an entry in ClinVar:

NM_000054.7(AVPR2):c.176T>C (p.Leu59Pro)

Gene: AVPR2 (arginine vasopressin receptor 2; plus strand). Cytogenetic location: Xq28.
Variant type: single nucleotide variant.
Coding change: c.176T>C on transcript NM_000054.7 (MANE Select); coding-DNA position 176, T replaced by C.
Protein change: p.Leu59Pro; replaces leucine 59 with proline.
Molecular consequence: missense variant.
Genome position (GRCh38, 1-based): chrX:153,905,682, T>C. VCF-style: chrX-153905682-T-C. GRCh37 (hg19) VCF-style: chrX-153171136-T-C.
Other names: c.176T>C, p.Leu59Pro (NM_001146151.3); short protein forms L59P.
Identifiers: ClinVar variation 35737 (VCV000035737.3), dbSNP rs193922112, ClinGen allele CA260158.
Genomic context (GRCh38, chrX:153,905,682, plus strand): 5'-CGGAGCTGGCGCTGCTCTCCATAGTCTTTGTGGCTGTGGCCCTGAGCAATGGCCTGGTGC[T>C]GGCGGCCCTAGCTCGGCGGGGCCGGCGGGGCCACTGGGCACCCATACACGTCTTCATTGG-3'
Protein context (NP_000045.1, residues 49-69): VAVALSNGLV[Leu59Pro]AALARRGRRG

ClinVar aggregate classification (germline): Likely pathogenic (1 of 4 stars; one submission).

Conditions:
Nephrogenic diabetes insipidus. Identifiers: Orphanet 223, MedGen C0162283, MONDO:0016383, HP:0009806.

Allele frequency attached by ClinVar (database versions not stated): gnomAD exomes below 0.00001.
gnomAD v4.1: 1 of 1,211,547 alleles (0.000083%); highest among the groups gnomAD compares: Non-Finnish European, 0.00011%; no homozygotes.

Submission:

Women's Health and Genetics/Laboratory Corporation of America, LabCorp
Classification: Likely pathogenic for Nephrogenic Diabetes Insipidus. Last evaluated: 2011-08-18. Review status: criteria provided, single submitter. Criteria: LabCorp Variant Classification Summary - May 2015. Collection method: curation, clinical testing. Allele origin: germline. Inheritance: Xlinked recessive. Affected: yes. Observed: 1 variant allele.
ClinVar note: Converted during submission from likely pathogenic to Likely pathogenic.

Literature cited by the submitters: PubMed 16319185; PubMed 19729439; PubMed 10749568; PubMed 10918636; PubMed 11128419; PubMed 16689923; PubMed 10714359; PubMed 9773787.